The following is an entry in ClinVar:

NM_024120.5(NDUFAF5):c.34C>T (p.Arg12Trp)

Genes: NDUFAF5 (NADH:ubiquinone oxidoreductase complex assembly factor 5; plus strand), LOC130065433 (ATAC-STARR-seq lymphoblastoid active region 17552; plus strand). Cytogenetic location: 20p12.1.
Variant type: single nucleotide variant.
Coding change: c.34C>T on transcript NM_024120.5 (MANE Select); coding-DNA position 34, C replaced by T.
Protein change: p.Arg12Trp; replaces arginine 12 with tryptophan.
Molecular consequence: missense variant. On other transcripts: 5 prime UTR variant (3), non-coding transcript variant (7).
Genome position (GRCh38, 1-based): chr20:13,785,102, C>T. VCF-style: chr20-13785102-C-T. GRCh37 (hg19) VCF-style: chr20-13765748-C-T.
Other names: c.34C>T, p.Arg12Trp (NM_001039375.3, NM_001352408.2); c.-334C>T (NM_001352403.2); c.-548C>T (NM_001352406.2); c.-662C>T (NM_001352407.2); short protein forms R12W.
Identifiers: ClinVar variation 1973177 (VCV001973177.3), dbSNP rs765344076, ClinGen allele CA9767570.

ClinVar aggregate classification (germline): Uncertain significance. Review status: criteria provided, multiple submitters, no conflicts (2 of 4 stars). 2 submissions from 2 submitters: Uncertain significance (2). Last evaluated 2022-08-22.

Conditions:
Inborn genetic diseases. Identifiers: MedGen C0950123, MeSH D030342.

Allele frequency attached by ClinVar (database versions not stated): ExAC 0.00001.
gnomAD v4.1: 5 of 1,613,340 alleles (0.00031%); highest among the groups gnomAD compares: South Asian, 0.0011%; no homozygotes.

Submissions (2):

Labcorp Genetics (formerly Invitae), Labcorp
Classification: Uncertain significance. Last evaluated: 2022-08-22. Review status: criteria provided, single submitter. Criteria: Invitae Variant Classification Sherloc (09022015). Collection method: clinical testing. Allele origin: germline.
Comment: This sequence change replaces arginine, which is basic and polar, with tryptophan, which is neutral and slightly polar, at codon 12 of the NDUFAF5 protein (p.Arg12Trp). This variant is present in population databases (rs765344076, gnomAD 0.003%). This variant has not been reported in the literature in individuals affected with NDUFAF5-related conditions. Algorithms developed to predict the effect of missense changes on protein structure and function output the following: SIFT: "Deleterious"; PolyPhen-2: "Benign"; Align-GVGD: "Class C0". The tryptophan amino acid residue is found in multiple mammalian species, which suggests that this missense change does not adversely affect protein function. In summary, the available evidence is currently insufficient to determine the role of this variant in disease. Therefore, it has been classified as a Variant of Uncertain Significance.

Ambry Genetics
Classification: Uncertain significance for Inborn genetic diseases. Last evaluated: 2021-12-21. Review status: criteria provided, single submitter. Criteria: Ambry Variant Classification Scheme 2023. Collection method: clinical testing. Allele origin: germline.